The following is an entry in ClinVar:

NM_000353.3(TAT):c.950del (p.Leu317fs)

Genes: TAT (tyrosine aminotransferase; minus strand), TAT-AS1 (TAT antisense RNA 1; plus strand). Cytogenetic location: 16q22.2.
Variant type: Deletion.
Coding change: c.950del on transcript NM_000353.3 (MANE Select); coding-DNA position 950, one base deleted (T; older notation c.950delT).
Protein change: p.Leu317fs; shifts the reading frame from leucine 317.
Molecular consequence: frameshift variant.
Genome position (GRCh38, 1-based): chr16:71,570,360, A deleted on the plus strand (T on the coding strand, the reverse complement: TAT is on the minus strand); the first of 4 consecutive A bases (chr16:71,570,360-71,570,363); deleting any one gives the same sequence. VCF-style (leftmost placement, unchanged base first): chr16-71570359-CA-C. GRCh37 (hg19) VCF-style: chr16-71604262-CA-C.
Other names: short protein forms L317fs.
Identifiers: ClinVar variation 5014972 (VCV005014972.1).
Genomic context (GRCh38, chr16:71,570,359, plus strand): 5'-CTCTCCCGGGGTGCGACATAGGATGCTTTTCAGAGCTCCCTGGACAATGGTACAGGGTCC[CA>C]AAATGCGCTGACTCAGCTTCACCAGCCCATCTCGGATCTAAAAGACACCCACAAGAAACA-3'

ClinVar aggregate classification (germline): Pathogenic (1 of 4 stars; one submission).

Conditions:
Tyrosinemia type II (TYRSN2). Also called: KERATOSIS PALMOPLANTARIS WITH CORNEAL DYSTROPHY; OREGON TYPE TYROSINEMIA; TAT DEFICIENCY; TYROSINE AMINOTRANSFERASE DEFICIENCY; TYROSINE TRANSAMINASE DEFICIENCY. Identifiers: Orphanet 28378, MedGen C0268487, MONDO:0010160, OMIM 276600.

Submission:

Myriad Genetics, Inc.
Classification: Pathogenic for Tyrosinemia type II. Last evaluated: 2025-09-13. Review status: criteria provided, single submitter. Criteria: Myriad Autosomal Dominant, Autosomal Recessive and X-Linked Classification Criteria (2023). Collection method: clinical testing. Allele origin: unknown.
Comment: NM_000353.2(TAT):c.950delT(L317Wfs*11) is expected to be pathogenic in the context of tyrosinemia type II. This variant is predicted to lead to an abnormal or absent protein product due to the creation of a premature termination codon in TAT, a gene where loss-of-function variants are known to be pathogenic. Please note: this variant was assessed in the context of healthy population screening.